The following is an entry in ClinVar:

ClinVar aggregate classification (germline): Uncertain significance (1 of 4 stars; one submission).

Conditions:
ALMS1-related disorder. Also called: ALMS1-related condition.

Submission:

PreventionGenetics, part of Exact Sciences
Classification: Uncertain significance for ALMS1-related condition. Last evaluated: 2024-01-11. Review status: criteria provided, single submitter. Criteria: ACMG Guidelines, 2015. Collection method: clinical testing. Allele origin: germline.
Comment: The ALMS1 c.7366A>C variant is predicted to result in the amino acid substitution p.Thr2456Pro. To our knowledge, this variant has not been reported in the literature. This variant is reported in 0.0033% of alleles in individuals of South Asian descent in gnomAD. At this time, the clinical significance of this variant is uncertain due to the absence of conclusive functional and genetic evidence.

NM_001378454.1(ALMS1):c.7363A>C (p.Ser2455Arg)

Gene: ALMS1 (ALMS1 centrosome and basal body associated protein; plus strand). Cytogenetic location: 2p13.1.
Variant type: single nucleotide variant.
Coding change: c.7363A>C on transcript NM_001378454.1 (MANE Select); coding-DNA position 7363, A replaced by C.
Protein change: p.Ser2455Arg; replaces serine 2455 with arginine.
Molecular consequence: missense variant.
Genome position (GRCh38, 1-based): chr2:73,453,890, A>C. VCF-style: chr2-73453890-A-C. GRCh37 (hg19) VCF-style: chr2-73681017-A-C.
Other names: c.7366A>C, p.Ser2456Arg (NM_015120.4); short protein forms S2455R, S2456R.
Identifiers: ClinVar variation 3057739 (VCV003057739.1), dbSNP rs2466112263, ClinGen allele CA347292310.
Genomic context (GRCh38, chr2:73,453,890, plus strand): 5'-TCTTTGGAATCAGTTTCTGATGTTCTTCTAAACTTCTTTCCATATGTTTCACCCAAGACA[A>C]GTATAACAGATAGCAGGGAGGAAGAGGGTGTGTCAGAGAGTGAGGATGGTGGTGGTAGCA-3'
Protein context (NP_001365383.1, residues 2445-2465): NFFPYVSPKT[Ser2455Arg]ITDSREEEGV